The following is an entry in ClinVar:

ClinVar aggregate classification (germline): Conflicting classifications of pathogenicity. Review status: criteria provided, conflicting classifications (1 of 4 stars). 2 submissions from 2 submitters: Uncertain significance (1); Likely benign (1). Last evaluated 2025-11-06.

Conditions:
Cardiomyopathy (CMYO). Also called: Cardiomyopathies. Identifiers: Orphanet 167848, MedGen C0878544, MONDO:0004994, HP:0001638. Inheritance: Various modes of inheritance.
Hypertrophic cardiomyopathy. Also called: HYPERTROPHIC MYOCARDIOPATHY. Identifiers: Orphanet 217569, MedGen C0007194, MeSH D002312, MONDO:0005045, HP:0001639.

Submissions (2):

Labcorp Genetics (formerly Invitae), Labcorp
Classification: Uncertain significance for Hypertrophic cardiomyopathy. Last evaluated: 2025-11-06. Review status: criteria provided, single submitter. Criteria: Invitae Variant Classification Sherloc (09022015). Collection method: clinical testing. Allele origin: germline.
Comment: This sequence change replaces arginine, which is basic and polar, with glycine, which is neutral and non-polar, at codon 10 of the TNNI3 protein (p.Arg10Gly). This variant is not present in population databases (gnomAD no frequency). This variant has not been reported in the literature in individuals affected with TNNI3-related conditions. ClinVar contains an entry for this variant (Variation ID: 923548). An algorithm developed to predict the effect of missense changes on protein structure and function outputs the following: PolyPhen-2: "Not Available". The glycine amino acid residue is found in multiple mammalian species, which suggests that this missense change does not adversely affect protein function. In summary, the available evidence is currently insufficient to determine the role of this variant in disease. Therefore, it has been classified as a Variant of Uncertain Significance.

Color Diagnostics, LLC DBA Color Health
Classification: Likely benign for Cardiomyopathy. Last evaluated: 2024-09-12. Review status: criteria provided, single submitter. Criteria: ACMG Guidelines, 2015. Collection method: clinical testing. Allele origin: germline.

NM_000363.5(TNNI3):c.28A>G (p.Arg10Gly)

Gene: TNNI3 (troponin I3, cardiac type; minus strand). Cytogenetic location: 19q13.42.
Variant type: single nucleotide variant.
Coding change: c.28A>G on transcript NM_000363.5 (MANE Select); coding-DNA position 28, A replaced by G.
Protein change: p.Arg10Gly; replaces arginine 10 with glycine.
Molecular consequence: missense variant.
Genome position (GRCh38, 1-based): chr19:55,157,130, T>C on the plus strand (A>G on the coding strand, the complement: TNNI3 is on the minus strand). VCF-style: chr19-55157130-T-C. GRCh37 (hg19) VCF-style: chr19-55668498-T-C.
Other names: short protein forms R10G.
Identifiers: ClinVar variation 923548 (VCV000923548.4), dbSNP rs2085739021, ClinGen allele CA407443267.